The following is an entry in ClinVar:

NM_000238.4(KCNH2):c.167G>T (p.Arg56Leu)

Gene: KCNH2 (potassium voltage-gated channel subfamily H member 2; minus strand). Cytogenetic location: 7q36.1.
Variant type: single nucleotide variant.
Coding change: c.167G>T on transcript NM_000238.4 (MANE Select); coding-DNA position 167, G replaced by T.
Protein change: p.Arg56Leu; replaces arginine 56 with leucine.
Molecular consequence: missense variant.
Genome position (GRCh38, 1-based): chr7:150,974,851, C>A on the plus strand (G>T on the coding strand, the complement: KCNH2 is on the minus strand). VCF-style: chr7-150974851-C-A. GRCh37 (hg19) VCF-style: chr7-150671939-C-A.
Other names: p.R56L:CGG>CTG; c.-11G>T (NM_001406755.1); c.167G>T, p.Arg56Leu (NM_172056.3); short protein forms R56L.
Identifiers: ClinVar variation 200557 (VCV000200557.15), dbSNP rs199472845, ClinGen allele CA005012.

ClinVar aggregate classification (germline): Pathogenic/Likely pathogenic. Review status: criteria provided, multiple submitters, no conflicts (2 of 4 stars). 2 submissions from 2 submitters: Pathogenic (1); Likely pathogenic (1). Last evaluated 2025-09-14.

Conditions:
Long QT syndrome (LQTS). Identifiers: MedGen C0023976, MeSH D008133, MONDO:0002442. Disease mechanism: loss of function. Inheritance: Various modes of inheritance.

gnomAD v4.1: 1 of 1,610,252 alleles (0.000062%); highest among the groups gnomAD compares: East Asian, 0.0022%; no homozygotes.

Submissions (2):

Labcorp Genetics (formerly Invitae), Labcorp
Classification: Pathogenic for Long QT syndrome. Last evaluated: 2025-09-14. Review status: criteria provided, single submitter. Criteria: Invitae Variant Classification Sherloc (09022015). Collection method: clinical testing. Allele origin: germline.
Comment: This sequence change replaces arginine, which is basic and polar, with leucine, which is neutral and non-polar, at codon 56 of the KCNH2 protein (p.Arg56Leu). This variant is not present in population databases (gnomAD no frequency). This missense change has been observed in individuals with clinical features of long QT syndrome (internal data). ClinVar contains an entry for this variant (Variation ID: 200557). An algorithm developed to predict the effect of missense changes on protein structure and function (PolyPhen-2) suggests that this variant is likely to be tolerated. Experimental studies have shown that this missense change affects KCNH2 function (PMID: 35688148). This variant disrupts the p.Arg56 amino acid residue in KCNH2. Other variant(s) that disrupt this residue have been determined to be pathogenic (PMID: 10973849, 11854117; internal data). This suggests that this residue is clinically significant, and that variants that disrupt this residue are likely to be disease-causing. For these reasons, this variant has been classified as Pathogenic.

GeneDx
Classification: Likely pathogenic. Last evaluated: 2024-08-05. Review status: criteria provided, single submitter. Criteria: GeneDx Variant Classification Process June 2021. Collection method: clinical testing. Allele origin: germline. Affected: yes.
Comment: Not observed at significant frequency in large population cohorts (gnomAD); Published functional studies suggest the p.(R56L) variant impacts protein trafficking and current density (PMID: 35688148); In silico analysis supports that this missense variant has a deleterious effect on protein structure/function; This variant is associated with the following publications: (PMID: 22396785, 35688148)

Literature cited by the submitters: PubMed 35688148 (cited by Labcorp Genetics (formerly Invitae), Labcorp); PubMed 10973849 (cited by Labcorp Genetics (formerly Invitae), Labcorp); PubMed 11854117 (cited by Labcorp Genetics (formerly Invitae), Labcorp).